The following is an entry in ClinVar:

ClinVar aggregate classification (germline): Uncertain significance. Review status: criteria provided, multiple submitters, no conflicts (2 of 4 stars). 2 submissions from 2 submitters: Uncertain significance (2). Last evaluated 2024-09-24.

Conditions:
Epidermolysis bullosa simplex 3, localized or generalized intermediate, with BP230 deficiency (EBS3). Also called: Epidermolysis bullosa simplex due to BP230 deficiency; Epidermolysis bullosa simplex, autosomal recessive 2. Identifiers: Orphanet 412181, MedGen C3809470, MONDO:0014180, OMIM 615425.
Hereditary sensory and autonomic neuropathy type 6. Also called: HSAN VI; Neuropathy, hereditary sensory and autonomic, type VI. Identifiers: Orphanet 314381, MedGen C3539003, MONDO:0013839, OMIM 614653.
Inborn genetic diseases. Identifiers: MedGen C0950123, MeSH D030342.

Allele frequency attached by ClinVar (database versions not stated): ExAC 0.00002; gnomAD 0.00002; gnomAD exomes 0.00002 and 0.00004; TOPMed 0.00002; ESP Exome Variant Server 0.00008.
gnomAD v4.1: 61 of 1,613,246 alleles (0.0038%); highest among the groups gnomAD compares: Non-Finnish European, 0.0048%; no homozygotes.

Submissions (2):

Labcorp Genetics (formerly Invitae), Labcorp
Classification: Uncertain significance for Epidermolysis bullosa simplex 3, localized or generalized intermediate, with BP230 deficiency; Hereditary sensory and autonomic neuropathy type 6. Last evaluated: 2024-09-24. Review status: criteria provided, single submitter. Criteria: Invitae Variant Classification Sherloc (09022015). Collection method: clinical testing. Allele origin: germline.
Comment: The DST gene has multiple clinically relevant transcripts. This variant occurs in alternate transcript NM_015548.4, and corresponds to NM_001723.5:c.*41672A>G in the primary transcript. This sequence change replaces asparagine, which is neutral and polar, with serine, which is neutral and polar, at codon 1734 of the DST protein (p.Asn1734Ser). This variant is present in population databases (rs377510455, gnomAD 0.004%). This variant has not been reported in the literature in individuals affected with DST-related conditions. Experimental studies and prediction algorithms are not available or were not evaluated, and the functional significance of this variant is currently unknown. In summary, the available evidence is currently insufficient to determine the role of this variant in disease. Therefore, it has been classified as a Variant of Uncertain Significance.

Ambry Genetics
Classification: Uncertain significance for Inborn genetic diseases. Last evaluated: 2019-11-19. Review status: criteria provided, single submitter. Criteria: Ambry Variant Classification Scheme 2023. Collection method: clinical testing. Allele origin: germline.
Comment: The p.N2238S variant (also known as c.6713A>G), located in coding exon 45 of the DST gene, results from an A to G substitution at nucleotide position 6713. The asparagine at codon 2238 is replaced by serine, an amino acid with highly similar properties. This amino acid position is not well conserved in available vertebrate species, and serine is the reference amino acid in other vertebrate species. In addition, this alteration is predicted to be tolerated by in silico analysis. Since supporting evidence is limited at this time, the clinical significance of this alteration remains unclear.

NM_001374736.1(DST):c.13070A>G (p.Asn4357Ser)

Gene: DST (dystonin; minus strand). Cytogenetic location: 6p12.1.
Variant type: single nucleotide variant.
Coding change: c.13070A>G on transcript NM_001374736.1 (MANE Select); coding-DNA position 13070, A replaced by G.
Protein change: p.Asn4357Ser; replaces asparagine 4357 with serine.
Molecular consequence: missense variant.
Genome position (GRCh38, 1-based): chr6:56,573,845, T>C on the plus strand (A>G on the coding strand, the complement: DST is on the minus strand). VCF-style: chr6-56573845-T-C. GRCh37 (hg19) VCF-style: chr6-56438643-T-C.
Other names: c.6713A>G, p.Asn2238Ser (NM_001144769.5); c.6299A>G, p.Asn2100Ser (NM_001144770.2); c.13070A>G, p.Asn4357Ser (NM_001374722.1); c.12437A>G, p.Asn4146Ser (NM_001374729.1); c.6179A>G, p.Asn2060Ser (NM_001374730.1, NM_001386100.1, NM_183380.4); c.13097A>G, p.Asn4366Ser (NM_001374734.1); c.5201A>G, p.Asn1734Ser (NM_015548.5); short protein forms N1734S, N2060S, N2100S, N2238S, N4146S, N4357S, N4366S.
Identifiers: ClinVar variation 1056348 (VCV001056348.7), dbSNP rs377510455, ClinGen allele CA3868286.
Genomic context (GRCh38, chr6:56,573,845, plus strand): 5'-AAGCCATCCTGCACACTCAGTGAACGGGTCAAGGTTATCTGGAGTTTTTCATTTCGTTCA[T>C]TAACAGACTTGGACAGATCCTCATATCTCCCAACAATGTCATCTACTCCAAACAGATCAG-3'
Protein context (NP_001361665.1, residues 4347-4367): GRYEDLSKSV[Asn4357Ser]ERNEKLQITL